The following is an entry in ClinVar:

ClinVar aggregate classification (germline): Uncertain significance. Review status: criteria provided, multiple submitters, no conflicts (2 of 4 stars). 2 submissions from 2 submitters: Uncertain significance (2). Last evaluated 2024-12-05.

Conditions:
Inborn genetic diseases. Identifiers: MedGen C0950123, MeSH D030342.

Submissions (2):

Ambry Genetics
Classification: Uncertain significance for Inborn genetic diseases. Last evaluated: 2024-12-05. Review status: criteria provided, single submitter. Criteria: Ambry Variant Classification Scheme 2023. Collection method: clinical testing. Allele origin: germline.
Comment: The p.D388Y variant (also known as c.1162G>T), located in coding exon 10 of the ANKRD26 gene, results from a G to T substitution at nucleotide position 1162. The aspartic acid at codon 388 is replaced by tyrosine, an amino acid with highly dissimilar properties. This amino acid position is conserved. In addition, this alteration is predicted to be tolerated by in silico analysis. Based on the available evidence, the clinical significance of this variant remains unclear.

Labcorp Genetics (formerly Invitae), Labcorp
Classification: Uncertain significance. Last evaluated: 2024-04-12. Review status: criteria provided, single submitter. Criteria: Invitae Variant Classification Sherloc (09022015). Collection method: clinical testing. Allele origin: germline.
Comment: This sequence change replaces aspartic acid, which is acidic and polar, with tyrosine, which is neutral and polar, at codon 388 of the ANKRD26 protein (p.Asp388Tyr). This variant is present in population databases (rs762618362, gnomAD 0.006%). This variant has not been reported in the literature in individuals affected with ANKRD26-related conditions. An algorithm developed to predict the effect of missense changes on protein structure and function (PolyPhen-2) suggests that this variant is likely to be tolerated. In summary, the available evidence is currently insufficient to determine the role of this variant in disease. Therefore, it has been classified as a Variant of Uncertain Significance.

NM_014915.3(ANKRD26):c.1162G>T (p.Asp388Tyr)

Gene: ANKRD26 (ankyrin repeat domain 26; minus strand). Cytogenetic location: 10p12.1.
Variant type: single nucleotide variant.
Coding change: c.1162G>T on transcript NM_014915.3 (MANE Select); coding-DNA position 1162, G replaced by T.
Protein change: p.Asp388Tyr; replaces aspartic acid 388 with tyrosine.
Molecular consequence: missense variant.
Genome position (GRCh38, 1-based): chr10:27,067,202, C>A on the plus strand (G>T on the coding strand, the complement: ANKRD26 is on the minus strand). VCF-style: chr10-27067202-C-A. GRCh37 (hg19) VCF-style: chr10-27356131-C-A.
Other names: c.1162G>T, p.Asp388Tyr (NM_001256053.2); short protein forms D388Y.
Identifiers: ClinVar variation 3397158 (VCV003397158.3).